The following is an entry in ClinVar:

NM_021098.3(CACNA1H):c.4777+5C>T

Gene: CACNA1H (calcium voltage-gated channel subunit alpha1 H; plus strand). Cytogenetic location: 16p13.3.
Variant type: single nucleotide variant.
Coding change: c.4777+5C>T on transcript NM_021098.3 (MANE Select); 5 bases into the intron after coding-DNA position 4777, C replaced by T.
Molecular consequence: intron variant.
Genome position (GRCh38, 1-based): chr16:1,212,533, C>T. VCF-style: chr16-1212533-C-T. GRCh37 (hg19) VCF-style: chr16-1262533-C-T.
Other names: c.4759+395C>T (NM_001005407.2).
Identifiers: ClinVar variation 951175 (VCV000951175.12), dbSNP rs370513262, ClinGen allele CA7801579.
Genomic context (GRCh38, chr16:1,212,533, plus strand): 5'-ACGCCCTCGGCCCTCAGACCATCTCCTTGTCTTTCCAGGCACTTTCCCCAGCCCAGGTAC[C>T]GGCCCTGTCCCGCATGCCTCAGGCCCCGCTTCTGCGGCCGCTGCTCGGGGAAGGGCGGGC-3'

ClinVar aggregate classification (germline): Uncertain significance. Review status: criteria provided, single submitter (1 of 4 stars). 2 submissions from 2 submitters: Uncertain significance (1). 1 of the submissions does not count toward it. Last evaluated 2025-06-12.

Conditions:
Idiopathic generalized epilepsy. Also called: Generalised epilepsy; EIG. Identifiers: MedGen C0270850, MONDO:0005579, OMIM 600669.
Hyperaldosteronism, familial, type IV (HALD4). Also called: FH IV; ALDOSTERONISM, PRIMARY, AND HYPERTENSION. Identifiers: Orphanet 642671, MedGen C4310756, MONDO:0014875, OMIM 617027.
CACNA1H-related disorder.

Allele frequency attached by ClinVar (database versions not stated): gnomAD exomes 0.00006; ExAC 0.00012; gnomAD 0.00015 and 0.00017; 1000 Genomes Project 30x 0.00016; TOPMed 0.00017; 1000 Genomes Project 0.00020; ESP Exome Variant Server 0.00033.
gnomAD v4.1: 101 of 1,610,534 alleles (0.0063%); highest among the groups gnomAD compares: African/African-American, 0.048%; no homozygotes.

Submissions (2):

Labcorp Genetics (formerly Invitae), Labcorp
Classification: Uncertain significance for Idiopathic generalized epilepsy; Hyperaldosteronism, familial, type IV. Last evaluated: 2025-06-12. Review status: criteria provided, single submitter. Criteria: Invitae Variant Classification Sherloc (09022015). Collection method: clinical testing. Allele origin: germline.
Comment: This sequence change falls in intron 26 of the CACNA1H gene. It does not directly change the encoded amino acid sequence of the CACNA1H protein. It affects a nucleotide within the consensus splice site. This variant is present in population databases (rs370513262, gnomAD 0.03%). This variant has not been reported in the literature in individuals affected with CACNA1H-related conditions. ClinVar contains an entry for this variant (Variation ID: 951175). Variants that disrupt the consensus splice site are a relatively common cause of aberrant splicing (PMID: 17576681, 9536098). Algorithms developed to predict the effect of sequence changes on RNA splicing suggest that this variant is not likely to affect RNA splicing. In summary, the available evidence is currently insufficient to determine the role of this variant in disease. Therefore, it has been classified as a Variant of Uncertain Significance.

PreventionGenetics, part of Exact Sciences
Classification: Likely benign for CACNA1H-related condition. Last evaluated: 2022-04-29. Review status: no assertion criteria provided. Collection method: clinical testing. Allele origin: germline. Not counted in ClinVar's aggregate classification.
Comment: This variant is classified as likely benign based on ACMG/AMP sequence variant interpretation guidelines (Richards et al. 2015 PMID: 25741868, with internal and published modifications).

Literature cited by the submitters: PubMed 17576681 (cited by Labcorp Genetics (formerly Invitae), Labcorp); PubMed 9536098 (cited by Labcorp Genetics (formerly Invitae), Labcorp).